The following is an entry in ClinVar:

ClinVar aggregate classification (germline): Uncertain significance (1 of 4 stars; one submission).

gnomAD v4.1: 1 of 1,614,088 alleles (0.000062%); highest among the groups gnomAD compares: Non-Finnish European, 0.000085%; no homozygotes.

Submission:

Labcorp Genetics (formerly Invitae), Labcorp
Classification: Uncertain significance. Last evaluated: 2025-02-09. Review status: criteria provided, single submitter. Criteria: Invitae Variant Classification Sherloc (09022015). Collection method: clinical testing. Allele origin: germline.
Comment: This sequence change replaces asparagine, which is neutral and polar, with threonine, which is neutral and polar, at codon 542 of the IL23R protein (p.Asn542Thr). This variant is not present in population databases (gnomAD no frequency). This variant has not been reported in the literature in individuals affected with IL23R-related conditions. An algorithm developed to predict the effect of missense changes on protein structure and function (PolyPhen-2) suggests that this variant is likely to be tolerated. In summary, the available evidence is currently insufficient to determine the role of this variant in disease. Therefore, it has been classified as a Variant of Uncertain Significance.

NM_144701.3(IL23R):c.1625A>C (p.Asn542Thr)

Gene: IL23R (interleukin 23 receptor; plus strand). Cytogenetic location: 1p31.3.
Variant type: single nucleotide variant.
Coding change: c.1625A>C on transcript NM_144701.3 (MANE Select); coding-DNA position 1625, A replaced by C.
Protein change: p.Asn542Thr; replaces asparagine 542 with threonine.
Molecular consequence: missense variant.
Genome position (GRCh38, 1-based): chr1:67,258,863, A>C. VCF-style: chr1-67258863-A-C. GRCh37 (hg19) VCF-style: chr1-67724546-A-C.
Other names: short protein forms N542T.
Identifiers: ClinVar variation 3709543 (VCV003709543.2).